The following is an entry in ClinVar:

ClinVar aggregate classification (germline): Uncertain significance (1 of 4 stars; one submission).

Conditions:
Candidiasis, familial, 9 (CANDF9). Identifiers: Orphanet 1334, MedGen C4225324, MONDO:0014642, OMIM 616445.

Submission:

Labcorp Genetics (formerly Invitae), Labcorp
Classification: Uncertain significance for Candidiasis, familial, 9. Last evaluated: 2024-04-25. Review status: criteria provided, single submitter. Criteria: Invitae Variant Classification Sherloc (09022015). Collection method: clinical testing. Allele origin: germline.
Comment: This sequence change affects codon 779 of the IL17RC mRNA. It is a 'silent' change, meaning that it does not change the encoded amino acid sequence of the IL17RC protein. The frequency data for this variant in the population databases is considered unreliable, as metrics indicate poor data quality at this position in the gnomAD database. This variant has not been reported in the literature in individuals affected with IL17RC-related conditions. Algorithms developed to predict the effect of sequence changes on RNA splicing suggest that this variant may create or strengthen a splice site. In summary, the available evidence is currently insufficient to determine the role of this variant in disease. Therefore, it has been classified as a Variant of Uncertain Significance.

NM_153460.4(IL17RC):c.2124G>A (p.Val708=)

Genes: IL17RC (interleukin 17 receptor C; plus strand), LOC129936144 (ATAC-STARR-seq lymphoblastoid silent region 14051; plus strand). Cytogenetic location: 3p25.3.
Variant type: single nucleotide variant.
Coding change: c.2124G>A on transcript NM_153460.4 (MANE Select); coding-DNA position 2124, G replaced by A.
Protein change: p.Val708=; no amino-acid change (valine 708 retained).
Molecular consequence: synonymous variant. On other transcripts: non-coding transcript variant (1).
Genome position (GRCh38, 1-based): chr3:9,933,554, G>A. VCF-style: chr3-9933554-G-A. GRCh37 (hg19) VCF-style: chr3-9975238-G-A.
Other names: c.2085G>A, p.Val695= (NM_001203263.2); c.2034G>A, p.Val678= (NM_001203264.2); c.2028G>A, p.Val676= (NM_001203265.2); c.2046G>A, p.Val682= (NM_001367278.1); c.1965G>A, p.Val655= (NM_001367279.1); c.2040G>A, p.Val680= (NM_001367280.1); c.1989G>A, p.Val663= (NM_001410711.1); c.2079G>A, p.Val693= (NM_032732.6); and 1 more.
Identifiers: ClinVar variation 3650917 (VCV003650917.2).